The following is an entry in ClinVar:

NM_152383.5(DIS3L2):c.2585C>T (p.Thr862Ile)

Gene: DIS3L2 (DIS3 like 3'-5' exoribonuclease 2; plus strand). Cytogenetic location: 2q37.1.
Variant type: single nucleotide variant.
Coding change: c.2585C>T on transcript NM_152383.5 (MANE Select); coding-DNA position 2585, C replaced by T.
Protein change: p.Thr862Ile; replaces threonine 862 with isoleucine.
Molecular consequence: missense variant. On other transcripts: non-coding transcript variant (2), intron variant (1).
Genome position (GRCh38, 1-based): chr2:232,336,557, C>T. VCF-style: chr2-232336557-C-T. GRCh37 (hg19) VCF-style: chr2-233201267-C-T.
Other names: c.1582-6788C>T (NM_001257281.2); short protein forms T862I.
Identifiers: ClinVar variation 531942 (VCV000531942.12), dbSNP rs778725551, ClinGen allele CA2164618.
Genomic context (GRCh38, chr2:232,336,557, plus strand): 5'-TGGTCCTGCAGGCAGAGTCCACAGCCCTCAAGTACAGCGCCATCCTGAAGCGGCCAGGCA[C>T]CCAGGGCCACCTGGGCCCTGAGAAGGAGGAGGAGGAGTCTGACGGTGAGCCCGAGGACTC-3'
Protein context (NP_689596.4, residues 852-872): KYSAILKRPG[Thr862Ile]QGHLGPEKEE

ClinVar aggregate classification (germline): Uncertain significance. Review status: criteria provided, single submitter (1 of 4 stars). 2 submissions from 2 submitters: Uncertain significance (1). 1 of the submissions does not count toward it. Last evaluated 2022-10-22.

Conditions:
Perlman syndrome (PRLMNS). Identifiers: Orphanet 2849, MedGen C0796113, MONDO:0009965, OMIM 267000.

Allele frequency attached by ClinVar (database versions not stated): gnomAD 0.00001; gnomAD exomes 0.00001; TOPMed 0.00001; ExAC 0.00002.
gnomAD v4.1: 6 of 1,609,620 alleles (0.00037%); highest among the groups gnomAD compares: East Asian, 0.0045%; no homozygotes.

Submissions (2):

Labcorp Genetics (formerly Invitae), Labcorp
Classification: Uncertain significance for Perlman syndrome. Last evaluated: 2022-10-22. Review status: criteria provided, single submitter. Criteria: Invitae Variant Classification Sherloc (09022015). Collection method: clinical testing. Allele origin: germline.
Comment: In summary, the available evidence is currently insufficient to determine the role of this variant in disease. Therefore, it has been classified as a Variant of Uncertain Significance. Algorithms developed to predict the effect of missense changes on protein structure and function (SIFT, PolyPhen-2, Align-GVGD) all suggest that this variant is likely to be tolerated. ClinVar contains an entry for this variant (Variation ID: 531942). This variant has not been reported in the literature in individuals affected with DIS3L2-related conditions. This variant is present in population databases (rs778725551, gnomAD 0.007%). This sequence change replaces threonine, which is neutral and polar, with isoleucine, which is neutral and non-polar, at codon 862 of the DIS3L2 protein (p.Thr862Ile).

Department of Pathology and Laboratory Medicine, Sinai Health System
Classification: Uncertain significance. Review status: no assertion criteria provided. Collection method: clinical testing. Allele origin: unknown. Affected: yes. Study: The Canadian Open Genetics Repository (COGR). Not counted in ClinVar's aggregate classification.
Comment: The DIS3L2 p.T862I variant was not identified in the literature but was identified in dbSNP (ID: rs778725551) and ClinVar (classified as uncertain significance by Invitae for Renal hamartomas nephroblastomatosis and fetal gigantism).Â¬â€ The variant was identified in control databases in 3 of 244416 chromosomes at a frequency of 0.00001227 (Genome Aggregation Database March 6, 2019, v2.1.1). The p.T862 residue is conserved in mammals however computational analyses (MUT Assesor, PolyPhen-2, SIFT, MutationTaster, Revel, FATHMM, MetaLR, DANN) do not suggest a high likelihood of impact to the protein; this information is not very predictive of pathogenicity. The variant occurs outside of the splicing consensus sequence and in silico or computational prediction software programs (Splice AI exome) do not predict a difference in splicing.Â¬â€ In summary, based on the above information the clinical significance of this variant cannot be determined with certainty at this time. This variant is classified as a variant of uncertain significance.